The following is an entry in ClinVar:

ClinVar aggregate classification (germline): Pathogenic (1 of 4 stars; one submission).

Submission:

Labcorp Genetics (formerly Invitae), Labcorp
Classification: Pathogenic. Last evaluated: 2022-02-27. Review status: criteria provided, single submitter. Criteria: Invitae Variant Classification Sherloc (09022015). Collection method: clinical testing. Allele origin: germline.
Comment: Algorithms developed to predict the effect of sequence changes on RNA splicing suggest that this variant may create or strengthen a splice site. For these reasons, this variant has been classified as Pathogenic. This variant has not been reported in the literature in individuals affected with DNAH9-related conditions. This variant is not present in population databases (gnomAD no frequency). This sequence change creates a premature translational stop signal (p.Tyr1017*) in the DNAH9 gene. It is expected to result in an absent or disrupted protein product. Loss-of-function variants in DNAH9 are known to be pathogenic (PMID: 30471718).

Literature cited by the submitters: PubMed 30471718.

NM_001372.4(DNAH9):c.3051T>A (p.Tyr1017Ter)

Genes: DNAH9 (dynein axonemal heavy chain 9; plus strand), LOC126862505 (BRD4-independent group 4 enhancer GRCh37_chr17:11572478-11573677; plus strand). Cytogenetic location: 17p12.
Variant type: single nucleotide variant.
Coding change: c.3051T>A on transcript NM_001372.4 (MANE Select); coding-DNA position 3051, T replaced by A.
Protein change: p.Tyr1017Ter; replaces tyrosine 1017 with a stop codon.
Molecular consequence: nonsense.
Genome position (GRCh38, 1-based): chr17:11,669,492, T>A. VCF-style: chr17-11669492-T-A. GRCh37 (hg19) VCF-style: chr17-11572809-T-A.
Other names: short protein forms Y1017*.
Identifiers: ClinVar variation 1400712 (VCV001400712.6), dbSNP rs2150728161, ClinGen allele CA398182505.